The following is an entry in ClinVar:

NM_004523.4(KIF11):c.2301del (p.His768fs)

Gene: KIF11 (kinesin family member 11; plus strand). Cytogenetic location: 10q23.33.
Variant type: Deletion.
Coding change: c.2301del on transcript NM_004523.4 (MANE Select); coding-DNA position 2301, one base deleted (T; older notation c.2301delT).
Protein change: p.His768fs; shifts the reading frame from histidine 768.
Molecular consequence: frameshift variant.
Genome position (GRCh38, 1-based): chr10:92,645,396, T deleted; the last of 4 consecutive T bases (chr10:92,645,393-92,645,396); deleting any one gives the same sequence. VCF-style (leftmost placement, unchanged base first): chr10-92645392-CT-C. GRCh37 (hg19) VCF-style: chr10-94405149-CT-C.
Other names: short protein forms H768fs.
Identifiers: ClinVar variation 4721568 (VCV004721568.1).
Genomic context (GRCh38, chr10:92,645,392, plus strand): 5'-ATTTCAACAGTGTCATTCTCTTTTCCTATAGGAAATCTAAGGATATAGTCAACAAAATGA[CT>C]TTTCACAGTCAAAAATTTTGTGCTGATTCTGATGGCTTCTCACAGGAACTCAGAAATTTT-3'

ClinVar aggregate classification (germline): Pathogenic (1 of 4 stars; one submission).

Submission:

Labcorp Genetics (formerly Invitae), Labcorp
Classification: Pathogenic. Last evaluated: 2025-06-22. Review status: criteria provided, single submitter. Criteria: Invitae Variant Classification Sherloc (09022015). Collection method: clinical testing. Allele origin: germline.
Comment: This sequence change creates a premature translational stop signal (p.His768Thrfs*31) in the KIF11 gene. It is expected to result in an absent or disrupted protein product. Loss-of-function variants in KIF11 are known to be pathogenic (PMID: 22284827, 24281367). This variant is not present in population databases (gnomAD no frequency). This variant has not been reported in the literature in individuals affected with KIF11-related conditions. For these reasons, this variant has been classified as Pathogenic.

Literature cited by the submitters: PubMed 22284827; PubMed 24281367.